The following is an entry in ClinVar:

ClinVar aggregate classification (germline): Uncertain significance. Review status: criteria provided, multiple submitters, no conflicts (2 of 4 stars). 6 submissions from 5 submitters: Uncertain significance (6). Last evaluated 2026-03-02.

Conditions:
Inborn genetic diseases. Identifiers: MedGen C0950123, MeSH D030342.
Retinitis pigmentosa (RP). Identifiers: Orphanet 791, MedGen C0035334, MeSH D012174, MONDO:0019200, OMIM 268000. Inheritance: Autosomal dominant, autosomal recessive and X linked inheritance.
Oguchi disease. Also called: Oguchi's disease. Identifiers: Orphanet 75382, MedGen C1306122, MONDO:0019152.
SAG-related disorder. Also called: SAG-related condition; SAG-related disorders.

Allele frequency attached by ClinVar (database versions not stated): gnomAD exomes 0.00004; ExAC 0.00005; TOPMed 0.00006; ESP Exome Variant Server 0.00008; gnomAD 0.00008 and 0.00009.
gnomAD v4.1: 248 of 1,613,870 alleles (0.015%); highest among the groups gnomAD compares: Non-Finnish European, 0.02%; no homozygotes.

Submissions (6):

PreventionGenetics, part of Exact Sciences
Classification: Uncertain significance for SAG-related condition. Last evaluated: 2026-03-02. Review status: criteria provided, single submitter. Criteria: ACMG Guidelines, 2015. Collection method: clinical testing. Allele origin: germline.
Comment: The SAG c.866C>T variant is predicted to result in the amino acid substitution p.Ala289Val. To our knowledge, this variant has not been reported in the literature. This variant is reported in 0.0071% of alleles in individuals of European (Non-Finnish) descent in gnomAD. At this time, the clinical significance of this variant is uncertain due to the absence of conclusive functional and genetic evidence.

Labcorp Genetics (formerly Invitae), Labcorp
Classification: Uncertain significance. Last evaluated: 2025-11-22. Review status: criteria provided, single submitter. Criteria: Invitae Variant Classification Sherloc (09022015). Collection method: clinical testing. Allele origin: germline.
Comment: This sequence change replaces alanine, which is neutral and non-polar, with valine, which is neutral and non-polar, at codon 289 of the SAG protein (p.Ala289Val). This variant is present in population databases (rs373460295, gnomAD 0.006%). This variant has not been reported in the literature in individuals affected with SAG-related conditions. ClinVar contains an entry for this variant (Variation ID: 895370). Invitae Evidence Modeling of protein sequence and biophysical properties (such as structural, functional, and spatial information, amino acid conservation, physicochemical variation, residue mobility, and thermodynamic stability) indicates that this missense variant is not expected to disrupt SAG protein function with a negative predictive value of 80%. In summary, the available evidence is currently insufficient to determine the role of this variant in disease. Therefore, it has been classified as a Variant of Uncertain Significance.

Blueprint Genetics
Classification: Uncertain significance. Last evaluated: 2024-11-20. Review status: criteria provided, single submitter. Criteria: ACMG Guidelines, 2015. Collection method: clinical testing. Allele origin: germline.

Ambry Genetics
Classification: Uncertain significance for Inborn genetic diseases. Last evaluated: 2023-09-29. Review status: criteria provided, single submitter. Criteria: Ambry Variant Classification Scheme 2023. Collection method: clinical testing. Allele origin: germline.

Illumina Laboratory Services, Illumina
Classification: Uncertain significance for Retinitis pigmentosa. Last evaluated: 2018-01-12. Review status: criteria provided, single submitter. Criteria: ICSL Variant Classification Criteria 13 December 2019. Collection method: clinical testing. Allele origin: germline.

Illumina Laboratory Services, Illumina
Classification: Uncertain significance for Oguchi disease-1. Last evaluated: 2018-01-12. Review status: criteria provided, single submitter. Criteria: ICSL Variant Classification Criteria 13 December 2019. Collection method: clinical testing. Allele origin: germline.

NM_000541.5(SAG):c.866C>T (p.Ala289Val)

Gene: SAG (S-antigen visual arrestin; plus strand). Cytogenetic location: 2q37.1.
Variant type: single nucleotide variant.
Coding change: c.866C>T on transcript NM_000541.5 (MANE Select); coding-DNA position 866, C replaced by T.
Protein change: p.Ala289Val; replaces alanine 289 with valine.
Molecular consequence: missense variant.
Genome position (GRCh38, 1-based): chr2:233,335,021, C>T. VCF-style: chr2-233335021-C-T. GRCh37 (hg19) VCF-style: chr2-234243667-C-T.
Other names: short protein forms A289V.
Identifiers: ClinVar variation 895370 (VCV000895370.16), dbSNP rs373460295, ClinGen allele CA2174568.